The following is an entry in ClinVar:

ClinVar aggregate classification (germline): Uncertain significance (1 of 4 stars; one submission).

Conditions:
Familial cancer of breast. Also called: hereditary breast carcinoma; BREAST CANCER, FAMILIAL; Hereditary breast cancer. Identifiers: Orphanet 227535, MedGen C0346153, MONDO:0016419, OMIM 114480. Disease mechanism: loss of function.

Allele frequency attached by ClinVar (database versions not stated): gnomAD exomes below 0.00001.
gnomAD v4.1: 1 of 1,612,544 alleles (0.000062%); highest among the groups gnomAD compares: Non-Finnish European, 0.000085%; no homozygotes.

Submission:

Labcorp Genetics (formerly Invitae), Labcorp
Classification: Uncertain significance for Familial cancer of breast. Last evaluated: 2021-10-29. Review status: criteria provided, single submitter. Criteria: Invitae Variant Classification Sherloc (09022015). Collection method: clinical testing. Allele origin: germline.
Comment: In summary, the available evidence is currently insufficient to determine the role of this variant in disease. Therefore, it has been classified as a Variant of Uncertain Significance. Algorithms developed to predict the effect of missense changes on protein structure and function output the following: SIFT: "Tolerated"; PolyPhen-2: "Benign"; Align-GVGD: "Class C0". The threonine amino acid residue is found in multiple mammalian species, which suggests that this missense change does not adversely affect protein function. ClinVar contains an entry for this variant (Variation ID: 857356). This variant has not been reported in the literature in individuals affected with PALB2-related conditions. This variant is not present in population databases (gnomAD no frequency). This sequence change replaces isoleucine, which is neutral and non-polar, with threonine, which is neutral and polar, at codon 1031 of the PALB2 protein (p.Ile1031Thr).

NM_024675.4(PALB2):c.3092T>C (p.Ile1031Thr)

Gene: PALB2 (partner and localizer of BRCA2; minus strand). Cytogenetic location: 16p12.2.
Variant type: single nucleotide variant.
Coding change: c.3092T>C on transcript NM_024675.4 (MANE Select); coding-DNA position 3092, T replaced by C.
Protein change: p.Ile1031Thr; replaces isoleucine 1031 with threonine.
Molecular consequence: missense variant.
Genome position (GRCh38, 1-based): chr16:23,621,383, A>G on the plus strand (T>C on the coding strand, the complement: PALB2 is on the minus strand). VCF-style: chr16-23621383-A-G. GRCh37 (hg19) VCF-style: chr16-23632704-A-G.
Other names: short protein forms I1031T.
Identifiers: ClinVar variation 857356 (VCV000857356.8), dbSNP rs1966768570, ClinGen allele CA395142863.